The following is an entry in ClinVar:

NM_020041.3(SLC2A9):c.1240C>T (p.Leu414=)

Gene: SLC2A9 (solute carrier family 2 member 9; minus strand). Cytogenetic location: 4p16.1.
Variant type: single nucleotide variant.
Coding change: c.1240C>T on transcript NM_020041.3 (MANE Select); coding-DNA position 1240, C replaced by T.
Protein change: p.Leu414=; no amino-acid change (leucine 414 retained).
Molecular consequence: synonymous variant.
Genome position (GRCh38, 1-based): chr4:9,887,618, G>A on the plus strand (C>T on the coding strand, the complement: SLC2A9 is on the minus strand). VCF-style: chr4-9887618-G-A. GRCh37 (hg19) VCF-style: chr4-9889242-G-A.
Other names: c.1153C>T, p.Leu385= (NM_001001290.2).
Identifiers: ClinVar variation 92005 (VCV000092005.2), dbSNP rs386352361, ClinGen allele CA232334.

ClinVar aggregate classification (germline): Uncertain significance (0 of 4 stars; one submission).

Submission:

Richard Lifton Laboratory, Yale University School of Medicine
Classification: Uncertain significance. Review status: no assertion criteria provided. Collection method: not provided. Allele origin: somatic.
Comment: SLC2A9
ClinVar note: Converted during submission from unknown to Uncertain significance.